The following is an entry in ClinVar:

NM_014324.6(AMACR):c.1114A>G (p.Ile372Val)

Genes: AMACR (alpha-methylacyl-CoA racemase; minus strand), C1QTNF3-AMACR (C1QTNF3-AMACR readthrough (NMD candidate); minus strand). Cytogenetic location: 5p13.2.
Variant type: single nucleotide variant.
Coding change: c.1114A>G on transcript NM_014324.6 (MANE Select); coding-DNA position 1114, A replaced by G.
Protein change: p.Ile372Val; replaces isoleucine 372 with valine.
Molecular consequence: missense variant. On other transcripts: non-coding transcript variant (1), 3 prime UTR variant (1).
Genome position (GRCh38, 1-based): chr5:33,989,128, T>C on the plus strand (A>G on the coding strand, the complement: AMACR is on the minus strand). VCF-style: chr5-33989128-T-C. GRCh37 (hg19) VCF-style: chr5-33989233-T-C.
Other names: c.1114A>G, p.Ile372Val (NM_001167595.2); c.*356A>G (NM_203382.3); short protein forms I372V.
Identifiers: ClinVar variation 2203627 (VCV002203627.2), dbSNP rs1753388220, ClinGen allele CA359398604.

ClinVar aggregate classification (germline): Uncertain significance (1 of 4 stars; one submission).

Conditions:
Alpha-methylacyl-CoA racemase deficiency (AMACRD). Also called: AMACR deficiency. Identifiers: Orphanet 79095, MedGen C3280428, MONDO:0013681, OMIM 614307. Disease mechanism: loss of function.

Allele frequency attached by ClinVar (database versions not stated): TOPMed below 0.00001; gnomAD 0.00001.
gnomAD v4.1: 1 of 1,614,100 alleles (0.000062%); highest among the groups gnomAD compares: African/African-American, 0.0013%; no homozygotes.

Submission:

Labcorp Genetics (formerly Invitae), Labcorp
Classification: Uncertain significance for Alpha-methylacyl-CoA racemase deficiency. Last evaluated: 2022-05-21. Review status: criteria provided, single submitter. Criteria: Invitae Variant Classification Sherloc (09022015). Collection method: clinical testing. Allele origin: germline.
Comment: In summary, the available evidence is currently insufficient to determine the role of this variant in disease. Therefore, it has been classified as a Variant of Uncertain Significance. Algorithms developed to predict the effect of missense changes on protein structure and function output the following: SIFT: "Tolerated"; PolyPhen-2: "Benign"; Align-GVGD: "Class C0". The valine amino acid residue is found in multiple mammalian species, which suggests that this missense change does not adversely affect protein function. This variant has not been reported in the literature in individuals affected with AMACR-related conditions. This variant is not present in population databases (gnomAD no frequency). This sequence change replaces isoleucine, which is neutral and non-polar, with valine, which is neutral and non-polar, at codon 372 of the AMACR protein (p.Ile372Val).